The following is an entry in ClinVar:

ClinVar aggregate classification (germline): Likely benign (0 of 4 stars; one submission).

Conditions:
COL6A6-related disorder. Also called: COL6A6-related condition.

Allele frequency attached by ClinVar (database versions not stated): ExAC 0.00018; TOPMed 0.00056; gnomAD 0.00060; ESP Exome Variant Server 0.00089; 1000 Genomes Project 0.00100; 1000 Genomes Project 30x 0.00125.
gnomAD v4.1: 166 of 1,614,010 alleles (0.01%); highest among the groups gnomAD compares: African/African-American, 0.19%; no homozygotes.

Submission:

PreventionGenetics, part of Exact Sciences
Classification: Likely benign for COL6A6-related condition. Last evaluated: 2022-04-06. Review status: no assertion criteria provided. Collection method: clinical testing. Allele origin: germline.
Comment: This variant is classified as likely benign based on ACMG/AMP sequence variant interpretation guidelines (Richards et al. 2015 PMID: 25741868, with internal and published modifications).

NM_001102608.3(COL6A6):c.3386G>A (p.Gly1129Asp)

Gene: COL6A6 (collagen type VI alpha 6 chain; plus strand). Cytogenetic location: 3q22.1.
Variant type: single nucleotide variant.
Coding change: c.3386G>A on transcript NM_001102608.3 (MANE Select); coding-DNA position 3386, G replaced by A.
Protein change: p.Gly1129Asp; replaces glycine 1129 with aspartic acid.
Molecular consequence: missense variant.
Genome position (GRCh38, 1-based): chr3:130,574,364, G>A. VCF-style: chr3-130574364-G-A. GRCh37 (hg19) VCF-style: chr3-130293208-G-A.
Other names: short protein forms G1129D.
Identifiers: ClinVar variation 3047274 (VCV003047274.2), dbSNP rs200904266, ClinGen allele CA2612598.